The following is an entry in ClinVar:

ClinVar aggregate classification (germline): Uncertain significance (1 of 4 stars; one submission).

gnomAD v4.1: 6 of 1,613,864 alleles (0.00037%); highest among the groups gnomAD compares: East Asian, 0.0089%; no homozygotes.

Submission:

Ambry Genetics
Classification: Uncertain significance. Last evaluated: 2025-09-18. Review status: criteria provided, single submitter. Criteria: Ambry Variant Classification Scheme 2023. Collection method: clinical testing. Allele origin: germline.
Comment: The p.I512T variant (also known as c.1535T>C), located in coding exon 2 of the CDK12 gene, results from a T to C substitution at nucleotide position 1535. The isoleucine at codon 512 is replaced by threonine, an amino acid with similar properties. This amino acid position is conserved. In addition, this alteration is predicted to be tolerated by in silico analysis. Based on the available evidence, the clinical significance of this variant remains unclear.

NM_016507.4(CDK12):c.1535T>C (p.Ile512Thr)

Gene: CDK12 (cyclin dependent kinase 12; plus strand). Cytogenetic location: 17q12.
Variant type: single nucleotide variant.
Coding change: c.1535T>C on transcript NM_016507.4 (MANE Select); coding-DNA position 1535, T replaced by C.
Protein change: p.Ile512Thr; replaces isoleucine 512 with threonine.
Molecular consequence: missense variant.
Genome position (GRCh38, 1-based): chr17:39,471,367, T>C. VCF-style: chr17-39471367-T-C. GRCh37 (hg19) VCF-style: chr17-37627620-T-C.
Other names: c.1535T>C, p.Ile512Thr (NM_015083.4); short protein forms I512T.
Identifiers: ClinVar variation 4651316 (VCV004651316.1).